The following is an entry in ClinVar:

ClinVar aggregate classification (germline): Uncertain significance (1 of 4 stars; one submission).

Submission:

Labcorp Genetics (formerly Invitae), Labcorp
Classification: Uncertain significance. Last evaluated: 2023-07-17. Review status: criteria provided, single submitter. Criteria: Invitae Variant Classification Sherloc (09022015). Collection method: clinical testing. Allele origin: germline.
Comment: In summary, the available evidence is currently insufficient to determine the role of this variant in disease. Therefore, it has been classified as a Variant of Uncertain Significance. Algorithms developed to predict the effect of missense changes on protein structure and function output the following: SIFT: "Not Available"; PolyPhen-2: "Benign"; Align-GVGD: "Not Available". The glutamine amino acid residue is found in multiple mammalian species, which suggests that this missense change does not adversely affect protein function. ClinVar contains an entry for this variant (Variation ID: 2092677). This variant has not been reported in the literature in individuals affected with LRAT-related conditions. This variant is not present in population databases (gnomAD no frequency). This sequence change replaces glutamic acid, which is acidic and polar, with glutamine, which is neutral and polar, at codon 129 of the LRAT protein (p.Glu129Gln).

NM_004744.5(LRAT):c.385G>C (p.Glu129Gln)

Gene: LRAT (lecithin retinol acyltransferase; plus strand). Cytogenetic location: 4q32.1.
Variant type: single nucleotide variant.
Coding change: c.385G>C on transcript NM_004744.5 (MANE Select); coding-DNA position 385, G replaced by C.
Protein change: p.Glu129Gln; replaces glutamic acid 129 with glutamine.
Molecular consequence: missense variant.
Genome position (GRCh38, 1-based): chr4:154,744,711, G>C. VCF-style: chr4-154744711-G-C. GRCh37 (hg19) VCF-style: chr4-155665863-G-C.
Other names: c.385G>C, p.Glu129Gln (NM_001301645.2); short protein forms E129Q.
Identifiers: ClinVar variation 2092677 (VCV002092677.4), dbSNP rs944643002, ClinGen allele CA358630578.